The following is an entry in ClinVar:

NM_006947.4(SRP72):c.1675A>G (p.Lys559Glu)

Gene: SRP72 (signal recognition particle 72; plus strand). Cytogenetic location: 4q12.
Variant type: single nucleotide variant.
Coding change: c.1675A>G on transcript NM_006947.4 (MANE Select); coding-DNA position 1675, A replaced by G.
Protein change: p.Lys559Glu; replaces lysine 559 with glutamic acid.
Molecular consequence: missense variant. On other transcripts: non-coding transcript variant (1).
Genome position (GRCh38, 1-based): chr4:56,495,391, A>G. VCF-style: chr4-56495391-A-G. GRCh37 (hg19) VCF-style: chr4-57361557-A-G.
Other names: c.1492A>G, p.Lys498Glu (NM_001267722.2); short protein forms K559E, K498E.
Identifiers: ClinVar variation 4589596 (VCV004589596.1).

ClinVar aggregate classification (germline): Uncertain significance (1 of 4 stars; one submission).

Submission:

Ambry Genetics
Classification: Uncertain significance. Last evaluated: 2025-10-07. Review status: criteria provided, single submitter. Criteria: Ambry Variant Classification Scheme 2023. Collection method: clinical testing. Allele origin: germline.
Comment: The p.K559E variant (also known as c.1675A>G), located in coding exon 17 of the SRP72 gene, results from an A to G substitution at nucleotide position 1675. The lysine at codon 559 is replaced by glutamic acid, an amino acid with similar properties. This amino acid position is conserved. In addition, the in silico prediction for this alteration is inconclusive. Based on the available evidence, the clinical significance of this variant remains unclear.